The following is an entry in ClinVar:

ClinVar aggregate classification (germline): Pathogenic (1 of 4 stars; one submission).

Conditions:
Dextro-looped transposition of the great arteries. Also called: Dextrotransposition of the great arteries. Identifiers: Orphanet 860, MedGen C3531771, MONDO:0019443, OMIM 608808, HP:0031348.

Submission:

Labcorp Genetics (formerly Invitae), Labcorp
Classification: Pathogenic for Dextro-looped transposition of the great arteries. Last evaluated: 2017-10-24. Review status: criteria provided, single submitter. Criteria: Invitae Variant Classification Sherloc (09022015). Collection method: clinical testing. Allele origin: germline.
Comment: This sequence change creates a premature translational stop signal (p.Gln201*) in the MED13L gene. It is expected to result in an absent or disrupted protein product. This variant is not present in population databases (ExAC no frequency). This variant has not been reported in the literature in individuals with MED13L-related disease. Loss-of-function variants in MED13L are known to be pathogenic (PMID: 23403903). For these reasons, this variant has been classified as Pathogenic.

Literature cited by the submitters: PubMed 23403903.

NM_015335.5(MED13L):c.601C>T (p.Gln201Ter)

Gene: MED13L (mediator complex subunit 13L; minus strand). Cytogenetic location: 12q24.21.
Variant type: single nucleotide variant.
Coding change: c.601C>T on transcript NM_015335.5 (MANE Select); coding-DNA position 601, C replaced by T.
Protein change: p.Gln201Ter; replaces glutamine 201 with a stop codon.
Molecular consequence: nonsense.
Genome position (GRCh38, 1-based): chr12:116,022,480, G>A on the plus strand (C>T on the coding strand, the complement: MED13L is on the minus strand). VCF-style: chr12-116022480-G-A. GRCh37 (hg19) VCF-style: chr12-116460285-G-A.
Other names: short protein forms Q201*.
Identifiers: ClinVar variation 568975 (VCV000568975.2), dbSNP rs1029377279, ClinGen allele CA386872160.